The following is an entry in ClinVar:

NM_198525.3(KIF7):c.3437G>A (p.Arg1146His)

Genes: KIF7 (kinesin family member 7; minus strand), LOC126862216 (BRD4-independent group 4 enhancer GRCh37_chr15:90171995-90173194; plus strand). Cytogenetic location: 15q26.1.
Variant type: single nucleotide variant.
Coding change: c.3437G>A on transcript NM_198525.3 (MANE Select); coding-DNA position 3437, G replaced by A.
Protein change: p.Arg1146His; replaces arginine 1146 with histidine.
Molecular consequence: missense variant.
Genome position (GRCh38, 1-based): chr15:89,629,455, C>T on the plus strand (G>A on the coding strand, the complement: KIF7 is on the minus strand). VCF-style: chr15-89629455-C-T. GRCh37 (hg19) VCF-style: chr15-90172686-C-T.
Other names: c.3437G>A (NM_198525.2); short protein forms R1146H.
Identifiers: ClinVar variation 2048802 (VCV002048802.3), dbSNP rs761352990, ClinGen allele CA7727706.

ClinVar aggregate classification (germline): Uncertain significance. Review status: criteria provided, multiple submitters, no conflicts (2 of 4 stars). 3 submissions from 3 submitters: Uncertain significance (3). Last evaluated 2024-10-21.

Conditions:
Acrocallosal syndrome (ACLS). Also called: HALLUX DUPLICATION, POSTAXIAL POLYDACTYLY, AND ABSENCE OF CORPUS CALLOSUM; Schinzel syndrome 1; Absence of corpus callosum with unusual facial appearance, mental deficiency, duplication of the halluces and polydactyly. Identifiers: Orphanet 36, MedGen C0796147, MONDO:0008708, OMIM 200990.
Inborn genetic diseases. Identifiers: MedGen C0950123, MeSH D030342.

Allele frequency attached by ClinVar (database versions not stated): ExAC 0.00002; gnomAD 0.00003; TOPMed 0.00003.
gnomAD v4.1: 29 of 1,609,566 alleles (0.0018%); highest among the groups gnomAD compares: African/African-American, 0.0053%; no homozygotes.

Submissions (3):

Ambry Genetics
Classification: Uncertain significance for Inborn genetic diseases. Last evaluated: 2024-10-21. Review status: criteria provided, single submitter. Criteria: Ambry Variant Classification Scheme 2023. Collection method: clinical testing. Allele origin: germline.

Blueprint Genetics
Classification: Uncertain significance. Last evaluated: 2024-04-25. Review status: criteria provided, single submitter. Criteria: ACMG Guidelines, 2015. Collection method: clinical testing. Allele origin: germline.

Labcorp Genetics (formerly Invitae), Labcorp
Classification: Uncertain significance for Acrocallosal syndrome. Last evaluated: 2022-07-03. Review status: criteria provided, single submitter. Criteria: Invitae Variant Classification Sherloc (09022015). Collection method: clinical testing. Allele origin: germline.
Comment: This sequence change replaces arginine, which is basic and polar, with histidine, which is basic and polar, at codon 1146 of the KIF7 protein (p.Arg1146His). This variant is present in population databases (rs761352990, gnomAD 0.008%). This variant has not been reported in the literature in individuals affected with KIF7-related conditions. Algorithms developed to predict the effect of missense changes on protein structure and function are either unavailable or do not agree on the potential impact of this missense change (SIFT: "Deleterious"; PolyPhen-2: "Probably Damaging"; Align-GVGD: "Class C0"). In summary, the available evidence is currently insufficient to determine the role of this variant in disease. Therefore, it has been classified as a Variant of Uncertain Significance.